The following is an entry in ClinVar:

ClinVar aggregate classification (germline): Uncertain significance (1 of 4 stars; one submission).

Conditions:
Familial thoracic aortic aneurysm and aortic dissection (TAAD). Also called: Thoracic aortic aneurysms and dissections. Identifiers: Orphanet 91387, MedGen C4707243, MONDO:0019625.
Marfan syndrome (MFS). Also called: MARFAN SYNDROME, TYPE I; Marfan syndrome type 1; Marfan's syndrome; Marfan syndrome, classic; FBN1-Related Marfan Syndrome. Identifiers: Orphanet 284963, Orphanet 558, MedGen C0024796, MONDO:0007947, OMIM 154700.

Submission:

Labcorp Genetics (formerly Invitae), Labcorp
Classification: Uncertain significance for Marfan syndrome; Familial thoracic aortic aneurysm and aortic dissection. Last evaluated: 2022-06-16. Review status: criteria provided, single submitter. Criteria: Invitae Variant Classification Sherloc (09022015). Collection method: clinical testing. Allele origin: germline.
Comment: In summary, the available evidence is currently insufficient to determine the role of this variant in disease. Therefore, it has been classified as a Variant of Uncertain Significance. Algorithms developed to predict the effect of sequence changes on RNA splicing suggest that this variant may disrupt the consensus splice site. This variant has been observed in individual(s) with clinical features of Marfan syndrome (Invitae). This variant is not present in population databases (gnomAD no frequency). This sequence change affects codon 704 of the FBN1 mRNA. It is a 'silent' change, meaning that it does not change the encoded amino acid sequence of the FBN1 protein. It affects a nucleotide within the consensus splice site.

NM_000138.5(FBN1):c.2112A>C (p.Ser704=)

Gene: FBN1 (fibrillin 1; minus strand). Cytogenetic location: 15q21.1.
Variant type: single nucleotide variant.
Coding change: c.2112A>C on transcript NM_000138.5 (MANE Select); coding-DNA position 2112, A replaced by C.
Protein change: p.Ser704=; no amino-acid change (serine 704 retained).
Molecular consequence: synonymous variant.
Genome position (GRCh38, 1-based): chr15:48,503,788, T>G on the plus strand (A>C on the coding strand, the complement: FBN1 is on the minus strand). VCF-style: chr15-48503788-T-G. GRCh37 (hg19) VCF-style: chr15-48795985-T-G.
Other names: c.2112A>C, p.Ser704= (NM_001406716.1).
Identifiers: ClinVar variation 2007513 (VCV002007513.4), dbSNP rs2505590621, ClinGen allele CA490024155.